The following is an entry in ClinVar:

NM_021120.4(DLG3):c.1424C>T (p.Ser475Leu)

Gene: DLG3 (discs large MAGUK scaffold protein 3; plus strand). Cytogenetic location: Xq13.1.
Variant type: single nucleotide variant.
Coding change: c.1424C>T on transcript NM_021120.4 (MANE Select); coding-DNA position 1424, C replaced by T.
Protein change: p.Ser475Leu; replaces serine 475 with leucine.
Molecular consequence: missense variant. On other transcripts: 5 prime UTR variant (1).
Genome position (GRCh38, 1-based): chrX:70,479,168, C>T. VCF-style: chrX-70479168-C-T. GRCh37 (hg19) VCF-style: chrX-69699018-C-T.
Other names: c.-26C>T (NM_001166278.2); c.413C>T, p.Ser138Leu (NM_020730.3); short protein forms S138L, S475L.
Identifiers: ClinVar variation 3770147 (VCV003770147.2).
Genomic context (GRCh38, chrX:70,479,168, plus strand): 5'-GAGTTCATTCTTTTCCCATCTTTTCCCTTGTTTCCGTGACAGAATACAGTCGCTTTGAAT[C>T]GAAGATACATGACTTACGAGAACAAATGATGAACAGCAGCATGAGCTCTGGGTCTGGGTC-3'
Protein context (NP_066943.2, residues 465-485): YRPEEYSRFE[Ser475Leu]KIHDLREQMM

ClinVar aggregate classification (germline): Conflicting classifications of pathogenicity. Review status: criteria provided, conflicting classifications (1 of 4 stars). 2 submissions from 2 submitters: Uncertain significance (1); Likely benign (1). Last evaluated 2025-01-31.

Conditions:
Intellectual developmental disorder, X-linked 90. Also called: DLG3-Related X-Linked Nonsyndromic Mental Retardation; Intellectual disability, X-linked 90. Identifiers: Orphanet 777, MedGen C3275443, MONDO:0010452, OMIM 300850.

gnomAD v4.1: 38 of 1,197,011 alleles (0.0032%); highest among the groups gnomAD compares: Non-Finnish European, 0.0038%; no homozygotes.

Submissions (2):

Equipe Genetique des Anomalies du Developpement, Université de Bourgogne
Classification: Likely benign for Intellectual developmental disorder, X-linked 90. Last evaluated: 2025-01-31. Review status: criteria provided, single submitter. Criteria: ACMG Guidelines, 2015. Collection method: curation. Allele origin: germline. Affected: yes.
Comment: Literature review. This variant is a missense which replaces a serine with a leucine at position 475. Hemizygous pathogenic variants in DLG3 are reported in an autosomal dominant intellectual disability (OMIM #300850). This variant is present in 13 male individuals in the population database gnomAD (v4.1.0). It has been reported in the literature (PMID:31906484). In silico prediction scores are in favor of the absence of effect. Based on these evidences, the variant was classified as likely benign.

Blueprint Genetics
Classification: Uncertain significance. Last evaluated: 2023-07-11. Review status: criteria provided, single submitter. Criteria: ACMG Guidelines, 2015. Collection method: clinical testing. Allele origin: germline.

Literature cited by the submitters: PubMed 31906484 (cited by Equipe Genetique des Anomalies du Developpement, Université de Bourgogne).